The following is an entry in ClinVar:

ClinVar aggregate classification (germline): Uncertain significance (1 of 4 stars; one submission).

gnomAD v4.1: 47 of 1,613,748 alleles (0.0029%); highest among the groups gnomAD compares: Non-Finnish European, 0.0039%; no homozygotes.

Submission:

Women's Health and Genetics/Laboratory Corporation of America, LabCorp
Classification: Uncertain significance. Last evaluated: 2026-01-20. Review status: criteria provided, single submitter. Criteria: LabCorp Variant Classification Summary - May 2015. Collection method: clinical testing. Allele origin: germline.
Comment: Variant summary: HERC1 c.7405G>T (p.Asp2469Tyr) results in a non-conservative amino acid change in the encoded protein sequence. Algorithms developed to predict the effect of missense changes on protein structure and function are either unavailable or do not agree on the potential impact of this missense change. The variant was absent in 249060 control chromosomes. The available data on variant occurrences in the general population are insufficient to allow any conclusion about variant significance. To our knowledge, no occurrence of c.7405G>T in individuals affected with HERC1-related conditions and no experimental evidence demonstrating its impact on protein function have been reported. No submitters have cited clinical-significance assessments for this variant to ClinVar. Based on the evidence outlined above, the variant was classified as uncertain significance.

NM_003922.4(HERC1):c.7405G>T (p.Asp2469Tyr)

Gene: HERC1 (HECT and RLD domain containing E3 ubiquitin protein ligase family member 1; minus strand). Cytogenetic location: 15q22.31.
Variant type: single nucleotide variant.
Coding change: c.7405G>T on transcript NM_003922.4 (MANE Select); coding-DNA position 7405, G replaced by T.
Protein change: p.Asp2469Tyr; replaces aspartic acid 2469 with tyrosine.
Molecular consequence: missense variant.
Genome position (GRCh38, 1-based): chr15:63,674,783, C>A on the plus strand (G>T on the coding strand, the complement: HERC1 is on the minus strand). VCF-style: chr15-63674783-C-A. GRCh37 (hg19) VCF-style: chr15-63966982-C-A.
Other names: short protein forms D2469Y.
Identifiers: ClinVar variation 4689227 (VCV004689227.1).